The following is an entry in ClinVar:

NM_005188.4(CBL):c.1262G>A (p.Cys421Tyr)

Gene: CBL (Cbl proto-oncogene; plus strand). Cytogenetic location: 11q23.3.
Variant type: single nucleotide variant.
Coding change: c.1262G>A on transcript NM_005188.4 (MANE Select); coding-DNA position 1262, G replaced by A.
Protein change: p.Cys421Tyr; replaces cysteine 421 with tyrosine.
Molecular consequence: missense variant.
Genome position (GRCh38, 1-based): chr11:119,278,544, G>A. VCF-style: chr11-119278544-G-A. GRCh37 (hg19) VCF-style: chr11-119149254-G-A.
Other names: c.1262G>A (NM_005188.2); short protein forms C421Y.
Identifiers: ClinVar variation 4778045 (VCV004778045.2).

ClinVar aggregate classification (germline): Uncertain significance. Review status: criteria provided, multiple submitters, no conflicts (2 of 4 stars). 2 submissions from 2 submitters: Uncertain significance (2). Last evaluated 2026-05-14.

Conditions:
RASopathy. Also called: rasopathies; Noonan spectrum disorder. Identifiers: Orphanet 536391, MedGen C5555857, MONDO:0021060.
Cardiovascular phenotype. Identifiers: MedGen CN230736.

Submissions (2):

Ambry Genetics
Classification: Uncertain significance for Cardiovascular phenotype. Last evaluated: 2026-05-14. Review status: criteria provided, single submitter. Criteria: Ambry Variant Classification Scheme 2023. Collection method: clinical testing. Allele origin: germline.
Comment: The p.C421Y variant (also known as c.1262G>A), located in coding exon 9 of the CBL gene, results from a G to A substitution at nucleotide position 1262. The cysteine at codon 421 is replaced by tyrosine, an amino acid with highly dissimilar properties. This amino acid position is conserved. In addition, this alteration is predicted to be deleterious by in silico analysis. Based on the available evidence, the clinical significance of this variant remains unclear.

Labcorp Genetics (formerly Invitae), Labcorp
Classification: Uncertain significance for RASopathy. Last evaluated: 2025-08-18. Review status: criteria provided, single submitter. Criteria: Invitae Variant Classification Sherloc (09022015). Collection method: clinical testing. Allele origin: germline.
Comment: This sequence change replaces cysteine, which is neutral and slightly polar, with tyrosine, which is neutral and polar, at codon 421 of the CBL protein (p.Cys421Tyr). This variant is not present in population databases (gnomAD no frequency). This variant has not been reported in the literature in individuals affected with CBL-related conditions. Invitae Evidence Modeling of protein sequence and biophysical properties (such as structural, functional, and spatial information, amino acid conservation, physicochemical variation, residue mobility, and thermodynamic stability) indicates that this missense variant is not expected to disrupt CBL protein function with a negative predictive value of 95%. In summary, the available evidence is currently insufficient to determine the role of this variant in disease. Therefore, it has been classified as a Variant of Uncertain Significance.